The following is an entry in ClinVar:

NM_007194.4(CHEK2):c.413C>G (p.Thr138Arg)

Gene: CHEK2 (checkpoint kinase 2; minus strand). Cytogenetic location: 22q12.1.
Variant type: single nucleotide variant.
Coding change: c.413C>G on transcript NM_007194.4 (MANE Select); coding-DNA position 413, C replaced by G.
Protein change: p.Thr138Arg; replaces threonine 138 with arginine.
Molecular consequence: missense variant.
Genome position (GRCh38, 1-based): chr22:28,725,274, G>C on the plus strand (C>G on the coding strand, the complement: CHEK2 is on the minus strand). VCF-style: chr22-28725274-G-C. GRCh37 (hg19) VCF-style: chr22-29121262-G-C.
Other names: c.542C>G, p.Thr181Arg (NM_001005735.3); c.-365C>G (NM_001257387.3); c.413C>G, p.Thr138Arg (NM_001349956.3, NM_145862.3); c.413C>G (NM_007194.3); short protein forms T138R, T181R.
Identifiers: ClinVar variation 3241156 (VCV003241156.2), dbSNP rs1555927196.

ClinVar aggregate classification (germline): Uncertain significance. Review status: criteria provided, multiple submitters, no conflicts (2 of 4 stars). 2 submissions from 2 submitters: Uncertain significance (2). Last evaluated 2026-03-30.

Conditions:
Hereditary cancer-predisposing syndrome. Also called: Neoplastic Syndromes, Hereditary; Tumor predisposition; Hereditary Cancer Syndrome; Hereditary neoplastic syndrome. Identifiers: Orphanet 140162, MedGen C0027672, MeSH D009386, MONDO:0015356.
Familial cancer of breast. Also called: BREAST CANCER, FAMILIAL; Hereditary breast cancer; hereditary breast carcinoma. Identifiers: Orphanet 227535, MedGen C0346153, MONDO:0016419, OMIM 114480. Disease mechanism: loss of function.

Submissions (2):

Ambry Genetics
Classification: Uncertain significance for Hereditary cancer-predisposing syndrome. Last evaluated: 2026-03-30. Review status: criteria provided, single submitter. Criteria: Ambry Variant Classification Scheme 2023. Collection method: clinical testing. Allele origin: germline.
Comment: The p.T138R variant (also known as c.413C>G), located in coding exon 2 of the CHEK2 gene, results from a C to G substitution at nucleotide position 413. The threonine at codon 138 is replaced by arginine, an amino acid with similar properties. This variant was reported as functionally impaired in a study assessing CHEK2-complementation through quantification of KAP1 phosphorylation and CHK2 autophosphorylation in human RPE1-CHEK2-knockout cells (Stolarova L et al. Clin Cancer Res, 2023 Aug;29:3037-3050). This amino acid position is well conserved in available vertebrate species. In addition, the in silico prediction for this alteration is inconclusive. Based on the available evidence, the clinical significance of this variant remains unclear.

Baylor Genetics
Classification: Uncertain significance for Familial cancer of breast. Last evaluated: 2024-03-24. Review status: criteria provided, single submitter. Criteria: ACMG Guidelines, 2015. Collection method: clinical testing. Allele origin: unknown.

Literature cited by the submitters: PubMed 37449874 (cited by Ambry Genetics).